The following is an entry in ClinVar:

ClinVar aggregate classification (germline): Uncertain significance (1 of 4 stars; one submission).

Conditions:
Inborn genetic diseases. Identifiers: MedGen C0950123, MeSH D030342.

Submission:

Ambry Genetics
Classification: Uncertain significance for Inborn genetic diseases. Last evaluated: 2026-05-31. Review status: criteria provided, single submitter. Criteria: Ambry Variant Classification Scheme 2023. Collection method: clinical testing. Allele origin: germline.
Comment: The p.S12C variant (also known as c.34A>T), located in coding exon 1 of the USB1 gene, results from an A to T substitution at nucleotide position 34. The serine at codon 12 is replaced by cysteine, an amino acid with dissimilar properties. This amino acid position is conserved. In addition, this alteration is predicted to be tolerated by in silico analysis. Based on the available evidence, the clinical significance of this variant remains unclear.

NM_024598.4(USB1):c.34A>T (p.Ser12Cys)

Genes: USB1 (U6 snRNA biogenesis phosphodiesterase 1; plus strand), LOC112469011 (Sharpr-MPRA regulatory region 3942; plus strand). Cytogenetic location: 16q21.
Variant type: single nucleotide variant.
Coding change: c.34A>T on transcript NM_024598.4 (MANE Select); coding-DNA position 34, A replaced by T.
Protein change: p.Ser12Cys; replaces serine 12 with cysteine.
Molecular consequence: missense variant. On other transcripts: intron variant (1).
Genome position (GRCh38, 1-based): chr16:58,001,517, A>T. VCF-style: chr16-58001517-A-T. GRCh37 (hg19) VCF-style: chr16-58035421-A-T.
Other names: c.34A>T, p.Ser12Cys (NM_001195302.2, NM_001204911.2, NM_001330569.2); c.-55-962A>T (NM_001330568.2); short protein forms S12C.
Identifiers: ClinVar variation 4866372 (VCV004866372.1).